The following is an entry in ClinVar:

NM_006231.4(POLE):c.2706+1G>T

Gene: POLE (DNA polymerase epsilon, catalytic subunit; minus strand). Cytogenetic location: 12q24.33.
Variant type: single nucleotide variant.
Coding change: c.2706+1G>T on transcript NM_006231.4 (MANE Select); the canonical splice donor site of the intron after coding-DNA position 2706, G replaced by T.
Molecular consequence: splice donor variant.
Genome position (GRCh38, 1-based): chr12:132,664,003, C>A on the plus strand (G>T on the coding strand, the complement: POLE is on the minus strand). VCF-style: chr12-132664003-C-A. GRCh37 (hg19) VCF-style: chr12-133240589-C-A.
Identifiers: ClinVar variation 821637 (VCV000821637.15), dbSNP rs777844240, ClinGen allele CA6893477.
Genomic context (GRCh38, chr12:132,664,003, plus strand): 5'-TGACATCAGGGCACTGACGCCAGGCCAGCCAGAGCTTCAGGACCAGAGGCCCCAGACTCA[C>A]CTTGACCATGATGTTCAACATGGCGCCTGGGTAGGAGATGGTCACTTTGGGCTTCTTCAC-3'

ClinVar aggregate classification (germline): Conflicting classifications of pathogenicity. Review status: criteria provided, conflicting classifications (1 of 4 stars). 2 submissions from 2 submitters: Likely pathogenic (1); Uncertain significance (1). Last evaluated 2025-07-31.

Conditions:
Hereditary cancer-predisposing syndrome. Also called: Tumor predisposition; Hereditary Cancer Syndrome; Neoplastic Syndromes, Hereditary; Hereditary neoplastic syndrome. Identifiers: Orphanet 140162, MedGen C0027672, MeSH D009386, MONDO:0015356.

Allele frequency attached by ClinVar (database versions not stated): gnomAD exomes below 0.00001; TOPMed below 0.00001; ExAC 0.00001; gnomAD 0.00001.
gnomAD v4.1: 3 of 1,613,814 alleles (0.00019%); highest among the groups gnomAD compares: Non-Finnish European, 0.00025%; no homozygotes.

Submissions (2):

Ambry Genetics
Classification: Uncertain significance for Hereditary cancer-predisposing syndrome. Last evaluated: 2025-07-31. Review status: criteria provided, single submitter. Criteria: Ambry Variant Classification Scheme 2023. Collection method: clinical testing. Allele origin: germline.
Comment: The c.2706+1G>T intronic variant results from a G to T substitution one nucleotide after coding exon 23 of the POLE gene. This nucleotide position is highly conserved in available vertebrate species. In silico splice site analysis predicts that this alteration will weaken the native splice donor site and will result in the creation or strengthening of a novel splice donor site. Alterations that disrupt the canonical splice site are expected to cause aberrant splicing, resulting in an abnormal protein or a transcript that is subject to nonsense-mediated mRNA decay. Although biallelic loss of function of POLE has been associated with autosomal recessive POLE deficiency, haploinsufficiency of POLE has not been established as a mechanism of disease for POLE-related polymerase proofreading-associated polyposis (PPAP) and POLE-related CMMRD-like syndrome. Based on the supporting evidence, this variant is expected to be causative of POLE deficiency when present along with a second pathogenic variant on the other allele; however, its clinical significance for PPAP and POLE-related CMMRD-like syndrome is unclear.

Labcorp Genetics (formerly Invitae), Labcorp
Classification: Likely pathogenic. Last evaluated: 2023-10-13. Review status: criteria provided, single submitter. Criteria: Invitae Variant Classification Sherloc (09022015). Collection method: clinical testing. Allele origin: germline.
Comment: This sequence change affects a donor splice site in intron 23 of the POLE gene. It is expected to disrupt RNA splicing. Variants that disrupt the donor or acceptor splice site typically lead to a loss of protein function (PMID: 16199547), and loss-of-function variants in POLE are known to be pathogenic (PMID: 23230001, 25948378, 30503519). This variant is present in population databases (rs777844240, gnomAD 0.0009%). This variant has not been reported in the literature in individuals affected with POLE-related conditions. ClinVar contains an entry for this variant (Variation ID: 821637). Algorithms developed to predict the effect of sequence changes on RNA splicing suggest that this variant may disrupt the consensus splice site. In summary, the currently available evidence indicates that the variant is pathogenic, but additional data are needed to prove that conclusively. Therefore, this variant has been classified as Likely Pathogenic.

Literature cited by the submitters: PubMed 16199547 (cited by Labcorp Genetics (formerly Invitae), Labcorp); PubMed 23230001 (cited by Labcorp Genetics (formerly Invitae), Labcorp); PubMed 25948378 (cited by Labcorp Genetics (formerly Invitae), Labcorp); PubMed 30503519 (cited by Labcorp Genetics (formerly Invitae), Labcorp).